The following is an entry in ClinVar:

ClinVar aggregate classification (germline): Uncertain significance (1 of 4 stars; one submission).

Conditions:
Senior-Loken syndrome 8 (SLSN8). Identifiers: Orphanet 3156, MedGen C4225376, MONDO:0014579, OMIM 616307.
Asphyxiating thoracic dystrophy 5 (SRTD5). Also called: SHORT-RIB THORACIC DYSPLASIA 5 WITH OR WITHOUT POLYDACTYLY; SHORT-RIB THORACIC DYSPLASIA 5 WITHOUT POLYDACTYLY. Identifiers: Orphanet 474, MedGen C3280598, MONDO:0013717, OMIM 614376.

Submission:

Labcorp Genetics (formerly Invitae), Labcorp
Classification: Uncertain significance for Senior-Loken syndrome 8; Asphyxiating thoracic dystrophy 5. Last evaluated: 2022-06-03. Review status: criteria provided, single submitter. Criteria: Invitae Variant Classification Sherloc (09022015). Collection method: clinical testing. Allele origin: germline.
Comment: This variant is a gross deletion of the genomic region encompassing exon(s) 15 of the WDR19 gene. This variant would be expected to be in-frame, preserving the integrity of the reading frame. This variant has not been reported in the literature in individuals affected with WDR19-related conditions. Experimental studies and prediction algorithms are not available or were not evaluated, and the functional significance of this variant is currently unknown. This variant disrupts a region of the WDR19 protein in which other variant(s) (p.Gly495Arg) have been observed in individuals with WDR19-related conditions (PMID: 24504730, 29068549). This suggests that this is a clinically significant region of the protein, and that variants that disrupt it are likely to be disease-causing. In summary, the available evidence is currently insufficient to determine the role of this variant in disease. Therefore, it has been classified as a Variant of Uncertain Significance.

Literature cited by the submitters: PubMed 24504730; PubMed 29068549.

NC_000004.11:g.(?_39226484)_(39226673_?)del

Gene: WDR19 (WD repeat domain 19; plus strand). Cytogenetic location: 4p14.
Variant type: Deletion.
Identifiers: ClinVar variation 2426915 (VCV002426915.3).